The following is an entry in ClinVar:

ClinVar aggregate classification (germline): Likely benign. Review status: criteria provided, multiple submitters, no conflicts (2 of 4 stars). 4 submissions from 4 submitters: Likely benign (2). 2 of the submissions do not count toward it. Last evaluated 2026-01-28.

Conditions:
ACOX1-related disorder. Also called: ACOX1-related disorders; ACOX1-related condition.
Acyl-CoA oxidase deficiency. Also called: Peroxisomal acyl-CoA oxidase deficiency; STRAIGHT-CHAIN ACYL-CoA OXIDASE DEFICIENCY; Pseudoneonatal adrenoleukodystrophy. Identifiers: Orphanet 2971, MedGen C1849678, MONDO:0009919, OMIM 264470. Disease mechanism: loss of function.

Allele frequency attached by ClinVar (database versions not stated): ExAC 0.00021; gnomAD exomes 0.00030 and 0.00031; TOPMed 0.00042; gnomAD 0.00044 and 0.00045.
gnomAD v4.1: 507 of 1,614,112 alleles (0.031%); highest among the groups gnomAD compares: Admixed American, 0.097%; 1 homozygote.

Submissions (4):

Labcorp Genetics (formerly Invitae), Labcorp
Classification: Likely benign for Acyl-CoA oxidase deficiency. Last evaluated: 2026-01-28. Review status: criteria provided, single submitter. Criteria: Invitae Variant Classification Sherloc (09022015). Collection method: clinical testing. Allele origin: germline.

CeGaT Center for Human Genetics Tuebingen
Classification: Likely benign. Last evaluated: 2025-06-01. Review status: criteria provided, single submitter. Criteria: CeGaT Center For Human Genetics Tuebingen Variant Classification Criteria Version 2. Collection method: clinical testing. Allele origin: germline. Affected: yes. Observed: 2 variant alleles.
Comment: ACOX1: BP4, BP7

PreventionGenetics, part of Exact Sciences
Classification: Likely benign for ACOX1-related condition. Last evaluated: 2024-08-06. Review status: no assertion criteria provided. Collection method: clinical testing. Allele origin: germline. Not counted in ClinVar's aggregate classification.
Comment: This variant is classified as likely benign based on ACMG/AMP sequence variant interpretation guidelines (Richards et al. 2015 PMID: 25741868, with internal and published modifications).

Natera, Inc.
Classification: Likely benign for Peroxisomal acyl CoA oxidase deficiency. Last evaluated: 2020-09-16. Review status: no assertion criteria provided. Collection method: clinical testing. Allele origin: germline. Not counted in ClinVar's aggregate classification.

NM_004035.7(ACOX1):c.1344G>A (p.Val448=)

Gene: ACOX1 (acyl-CoA oxidase 1; minus strand). Cytogenetic location: 17q25.1.
Variant type: single nucleotide variant.
Coding change: c.1344G>A on transcript NM_004035.7 (MANE Select); coding-DNA position 1344, G replaced by A.
Protein change: p.Val448=; no amino-acid change (valine 448 retained).
Molecular consequence: synonymous variant.
Genome position (GRCh38, 1-based): chr17:75,949,852, C>T on the plus strand (G>A on the coding strand, the complement: ACOX1 is on the minus strand). VCF-style: chr17-75949852-C-T. GRCh37 (hg19) VCF-style: chr17-73945933-C-T.
Other names: c.1230G>A, p.Val410= (NM_001185039.2); c.1344G>A, p.Val448= (NM_007292.6).
Identifiers: ClinVar variation 325379 (VCV000325379.50), dbSNP rs753969664, ClinGen allele CA8776793.